The following is an entry in ClinVar:

NM_001267550.2(TTN):c.72614T>C (p.Val24205Ala)

Genes: TTN (titin; minus strand), TTN-AS1 (TTN antisense RNA 1; plus strand). Cytogenetic location: 2q31.2.
Variant type: single nucleotide variant.
Coding change: c.72614T>C on transcript NM_001267550.2 (MANE Select); coding-DNA position 72614, T replaced by C.
Protein change: p.Val24205Ala; replaces valine 24205 with alanine.
Molecular consequence: missense variant.
Genome position (GRCh38, 1-based): chr2:178,573,518, A>G on the plus strand (T>C on the coding strand, the complement: TTN is on the minus strand). VCF-style: chr2-178573518-A-G. GRCh37 (hg19) VCF-style: chr2-179438245-A-G.
Other names: c.67691T>C, p.Val22564Ala (NM_001256850.1); c.45419T>C, p.Val15140Ala (NM_003319.4); c.64910T>C, p.Val21637Ala (NM_133378.4); c.45794T>C, p.Val15265Ala (NM_133432.3); c.45995T>C, p.Val15332Ala (NM_133437.4); short protein forms V22564A, V15140A, V15265A, V24205A, V15332A, V21637A.
Identifiers: ClinVar variation 917798 (VCV000917798.1), dbSNP rs1206638090, ClinGen allele CA349646360.

ClinVar aggregate classification (germline): Uncertain significance (1 of 4 stars; one submission).

Submission:

Women's Health and Genetics/Laboratory Corporation of America, LabCorp
Classification: Uncertain significance. Last evaluated: 2020-04-06. Review status: criteria provided, single submitter. Criteria: LabCorp Variant Classification Summary - May 2015. Collection method: clinical testing. Allele origin: germline.
Comment: Variant summary: TTN c.64910T>C (p.Val21637Ala) results in a non-conservative amino acid change located in the A-band region of the encoded protein sequence. Three of five in-silico tools predict a damaging effect of the variant on protein function. The variant was absent in 165708 control chromosomes in the gnomAD database.. The available data on variant occurrences in the general population are insufficient to allow any conclusion about variant significance. To our knowledge, no occurrence of c.64910T>C in individuals affected with Cardiomyopathy and no experimental evidence demonstrating its impact on protein function have been reported. No clinical diagnostic laboratories have submitted clinical-significance assessments for this variant to ClinVar after 2014. Based on the evidence outlined above, the variant was classified as uncertain significance.